The following is an entry in ClinVar:

NM_003124.5(SPR):c.125G>T (p.Arg42Leu)

Genes: SPR (sepiapterin reductase; plus strand), LOC129934069 (ATAC-STARR-seq lymphoblastoid silent region 11626; plus strand). Cytogenetic location: 2p13.2.
Variant type: single nucleotide variant.
Coding change: c.125G>T on transcript NM_003124.5 (MANE Select); coding-DNA position 125, G replaced by T.
Protein change: p.Arg42Leu; replaces arginine 42 with leucine.
Molecular consequence: missense variant.
Genome position (GRCh38, 1-based): chr2:72,887,557, G>T. VCF-style: chr2-72887557-G-T. GRCh37 (hg19) VCF-style: chr2-73114686-G-T.
Other names: p.Arg42Leu; short protein forms R42L.
Identifiers: ClinVar variation 2165943 (VCV002165943.2), dbSNP rs888988467, ClinGen allele CA49795519.

ClinVar aggregate classification (germline): Uncertain significance. Review status: criteria provided, multiple submitters, no conflicts (2 of 4 stars). 2 submissions from 2 submitters: Uncertain significance (2). Last evaluated 2025-10-07.

Conditions:
Dystonic disorder. Also called: Dystonia. Identifiers: MedGen C0013421, MONDO:0003441, HP:0001332.

Allele frequency attached by ClinVar (database versions not stated): gnomAD 0.00001; gnomAD exomes below 0.00001; TOPMed below 0.00001.
gnomAD v4.1: 6 of 1,453,916 alleles (0.00041%); highest among the groups gnomAD compares: African/African-American, 0.0015%; no homozygotes.

Submissions (2):

Mayo Clinic Laboratories, Mayo Clinic
Classification: Uncertain significance. Last evaluated: 2025-10-07. Review status: criteria provided, single submitter. Criteria: ACMG Guidelines, 2015. Collection method: clinical testing. Allele origin: germline. Observed: 1 variant allele.
Comment: PP3_moderate, PM2_supporting

Labcorp Genetics (formerly Invitae), Labcorp
Classification: Uncertain significance for Dystonic disorder. Last evaluated: 2022-08-01. Review status: criteria provided, single submitter. Criteria: Invitae Variant Classification Sherloc (09022015). Collection method: clinical testing. Allele origin: germline.
Comment: This sequence change replaces arginine, which is basic and polar, with leucine, which is neutral and non-polar, at codon 42 of the SPR protein (p.Arg42Leu). The frequency data for this variant in the population databases is considered unreliable, as metrics indicate poor data quality at this position in the gnomAD database. This variant has not been reported in the literature in individuals affected with SPR-related conditions. Algorithms developed to predict the effect of missense changes on protein structure and function are either unavailable or do not agree on the potential impact of this missense change (SIFT: "Deleterious"; PolyPhen-2: "Probably Damaging"; Align-GVGD: "Class C15"). In summary, the available evidence is currently insufficient to determine the role of this variant in disease. Therefore, it has been classified as a Variant of Uncertain Significance.